The following is an entry in ClinVar:

NM_000238.4(KCNH2):c.523G>T (p.Ala175Ser)

Gene: KCNH2 (potassium voltage-gated channel subfamily H member 2; minus strand). Cytogenetic location: 7q36.1.
Variant type: single nucleotide variant.
Coding change: c.523G>T on transcript NM_000238.4 (MANE Select); coding-DNA position 523, G replaced by T.
Protein change: p.Ala175Ser; replaces alanine 175 with serine.
Molecular consequence: missense variant.
Genome position (GRCh38, 1-based): chr7:150,958,452, C>A on the plus strand (G>T on the coding strand, the complement: KCNH2 is on the minus strand). VCF-style: chr7-150958452-C-A. GRCh37 (hg19) VCF-style: chr7-150655540-C-A.
Other names: c.235G>T, p.Ala79Ser (NM_001406753.1, NM_001406756.1); c.346G>T, p.Ala116Ser (NM_001406755.1); c.223G>T, p.Ala75Ser (NM_001406757.1); c.523G>T, p.Ala175Ser (NM_172056.3); short protein forms A175S, A116S, A79S, A75S.
Identifiers: ClinVar variation 937283 (VCV000937283.10), dbSNP rs1296505812, ClinGen allele CA369863439.

ClinVar aggregate classification (germline): Uncertain significance. Review status: criteria provided, multiple submitters, no conflicts (2 of 4 stars). 2 submissions from 2 submitters: Uncertain significance (2). Last evaluated 2025-10-15.

Conditions:
Progressive familial heart block. Identifiers: Orphanet 871, MedGen CN230454, MONDO:0019490.
Long QT syndrome (LQTS). Identifiers: MedGen C0023976, MeSH D008133, MONDO:0002442. Disease mechanism: loss of function. Inheritance: Various modes of inheritance.

Allele frequency attached by ClinVar (database versions not stated): gnomAD exomes 0.00001 and 0.00003.
gnomAD v4.1: 13 of 1,466,192 alleles (0.00089%); highest among the groups gnomAD compares: Non-Finnish European, 0.00045%; no homozygotes.

Submissions (2):

Labcorp Genetics (formerly Invitae), Labcorp
Classification: Uncertain significance for Long QT syndrome. Last evaluated: 2025-10-15. Review status: criteria provided, single submitter. Criteria: Invitae Variant Classification Sherloc (09022015). Collection method: clinical testing. Allele origin: germline.
Comment: This sequence change replaces alanine, which is neutral and non-polar, with serine, which is neutral and polar, at codon 175 of the KCNH2 protein (p.Ala175Ser). The frequency data for this variant in the population databases is considered unreliable, as metrics indicate poor data quality at this position in the gnomAD database. This variant has not been reported in the literature in individuals affected with KCNH2-related conditions. ClinVar contains an entry for this variant (Variation ID: 937283). An algorithm developed to predict the effect of missense changes on protein structure and function (PolyPhen-2) suggests that this variant is likely to be tolerated. In summary, the available evidence is currently insufficient to determine the role of this variant in disease. Therefore, it has been classified as a Variant of Uncertain Significance.

Petrovsky National Research Centre of Surgery, The Federal Agency for Scientific Organizations
Classification: Uncertain significance for Progressive familial heart block. Last evaluated: 2025-07-31. Review status: criteria provided, single submitter. Criteria: ACMG Guidelines, 2015. Collection method: research. Allele origin: germline. Inheritance: Autosomal dominant inheritance. Affected: yes. Observed: 1 heterozygote.
Comment: Clinvar (VCV000937283.9) contains 1 entry for this variant. The variant is not described in the literature. NM_000238.4:c.523G>T (p. Ala175Ser) is in the Genome Aggregation Database (gnomAD) v4.1.0 with total MAF=0.000008867 (Date of access 27-10-2025). Multiple lines of computational evidence suggest no impact on gene or gene product. In accordance with ACMG (2015) criteria this variant is classified as Variant of Uncertain Significance (VUS) with following criteria selected: PM2, BP4.